The following is an entry in ClinVar:

NM_005184.4(CALM3):c.388G>C (p.Asp130His)

Gene: CALM3 (calmodulin 3; plus strand). Cytogenetic location: 19q13.32.
Variant type: single nucleotide variant.
Coding change: c.388G>C on transcript NM_005184.4 (MANE Select); coding-DNA position 388, G replaced by C.
Protein change: p.Asp130His; replaces aspartic acid 130 with histidine.
Molecular consequence: missense variant.
Genome position (GRCh38, 1-based): chr19:46,608,948, G>C. VCF-style: chr19-46608948-G-C. GRCh37 (hg19) VCF-style: chr19-47112205-G-C.
Other names: c.280G>C, p.Asp94His (NM_001329921.1, NM_001329923.1, NM_001329924.2 and 2 more transcripts); c.388G>C, p.Asp130His (NM_001329922.1); short protein forms D130H, D94H.
Identifiers: ClinVar variation 581818 (VCV000581818.8), dbSNP rs1568666846, ClinGen allele CA406473530.

ClinVar aggregate classification (germline): Uncertain significance (1 of 4 stars; one submission).

Conditions:
Long QT syndrome 1 (LQT1). Identifiers: Orphanet 101016, Orphanet 768, MedGen C4551647, MONDO:0100316, OMIM 192500, MONDO:0008646.

Submission:

Labcorp Genetics (formerly Invitae), Labcorp
Classification: Uncertain significance for Long QT syndrome 1. Last evaluated: 2018-05-20. Review status: criteria provided, single submitter. Criteria: Invitae Variant Classification Sherloc (09022015). Collection method: clinical testing. Allele origin: germline.
Comment: This sequence change replaces aspartic acid with histidine at codon 130 of the CALM3 protein (p.Asp130His). The aspartic acid residue is highly conserved and there is a moderate physicochemical difference between aspartic acid and histidine. This variant is not present in population databases (ExAC no frequency). This variant has not been reported in the literature in individuals with CALM3-related disease. Algorithms developed to predict the effect of missense changes on protein structure and function (SIFT, PolyPhen-2, Align-GVGD) all suggest that this variant is likely to be disruptive, but these predictions have not been confirmed by published functional studies and their clinical significance is uncertain. In summary, the available evidence is currently insufficient to determine the role of this variant in disease. Therefore, it has been classified as a Variant of Uncertain Significance.